The following is an entry in ClinVar:

NM_020937.4(FANCM):c.4504A>G (p.Ser1502Gly)

Gene: FANCM (FA complementation group M; plus strand). Cytogenetic location: 14q21.2.
Variant type: single nucleotide variant.
Coding change: c.4504A>G on transcript NM_020937.4 (MANE Select); coding-DNA position 4504, A replaced by G.
Protein change: p.Ser1502Gly; replaces serine 1502 with glycine.
Molecular consequence: missense variant.
Genome position (GRCh38, 1-based): chr14:45,183,891, A>G. VCF-style: chr14-45183891-A-G. GRCh37 (hg19) VCF-style: chr14-45653094-A-G.
Other names: c.4426A>G, p.Ser1476Gly (NM_001308133.2); short protein forms S1476G, S1502G.
Identifiers: ClinVar variation 956657 (VCV000956657.9), dbSNP rs779176062, ClinGen allele CA7169765.

ClinVar aggregate classification (germline): Uncertain significance (1 of 4 stars; one submission).

Conditions:
Fanconi anemia (FA). Also called: Fanconi's anemia. Identifiers: Orphanet 84, MedGen C0015625, MeSH D005199, MONDO:0019391.

Allele frequency attached by ClinVar (database versions not stated): gnomAD exomes below 0.00001 and 0.00001; ExAC 0.00001.
gnomAD v4.1: 1 of 1,609,910 alleles (0.000062%); highest among the groups gnomAD compares: Admixed American, 0.0017%; no homozygotes.

Submission:

Labcorp Genetics (formerly Invitae), Labcorp
Classification: Uncertain significance for Fanconi anemia. Last evaluated: 2022-03-04. Review status: criteria provided, single submitter. Criteria: Invitae Variant Classification Sherloc (09022015). Collection method: clinical testing. Allele origin: germline.
Comment: In summary, the available evidence is currently insufficient to determine the role of this variant in disease. Therefore, it has been classified as a Variant of Uncertain Significance. Algorithms developed to predict the effect of sequence changes on RNA splicing suggest that this variant may disrupt the consensus splice site. Algorithms developed to predict the effect of missense changes on protein structure and function (SIFT, PolyPhen-2, Align-GVGD) all suggest that this variant is likely to be tolerated. ClinVar contains an entry for this variant (Variation ID: 956657). This variant has not been reported in the literature in individuals affected with FANCM-related conditions. This variant is present in population databases (rs779176062, gnomAD 0.006%). This sequence change replaces serine, which is neutral and polar, with glycine, which is neutral and non-polar, at codon 1502 of the FANCM protein (p.Ser1502Gly).